The following is an entry in ClinVar:

NM_004996.4(ABCC1):c.2001C>T (p.Ser667=)

Gene: ABCC1 (ATP binding cassette subfamily C member 1 (ABCC1 blood group); plus strand). Cytogenetic location: 16p13.11.
Variant type: single nucleotide variant.
Coding change: c.2001C>T on transcript NM_004996.4 (MANE Select); coding-DNA position 2001, C replaced by T.
Protein change: p.Ser667=; no amino-acid change (serine 667 retained).
Molecular consequence: synonymous variant.
Genome position (GRCh38, 1-based): chr16:16,079,364, C>T. VCF-style: chr16-16079364-C-T. GRCh37 (hg19) VCF-style: chr16-16173221-C-T.
Other names: c.2001C>T, p.Ser667= (NM_019899.3, NM_001438755.1, NM_019862.3 and 1 more transcripts); c.1875C>T, p.Ser625= (NM_019901.2, NM_001438719.1); c.1854C>T, p.Ser618= (NM_019902.2, NM_001438720.1); c.1728C>T, p.Ser576= (NM_001438715.1); c.1590C>T, p.Ser530= (NM_001438717.1); c.1716C>T, p.Ser572= (NM_001438718.1).
Identifiers: ClinVar variation 4083528 (VCV004083528.8).
Genomic context (GRCh38, chr16:16,079,364, plus strand): 5'-GCAGGCCTCATTCAGCGTGGCTGAGCCAGGTGTGTTGTGTCGTTTCAGCATCACCTTCTC[C>T]ATCCCCGAAGGTGCTTTGGTGGCCGTGGTGGGCCAGGTGGGCTGCGGAAAGTCGTCCCTG-3'
Protein context (NP_004987.2, residues 657-677): DPPTLNGITF[Ser667=]IPEGALVAVV

ClinVar aggregate classification (germline): Benign (1 of 4 stars; one submission).

gnomAD v4.1: 21,097 of 1,613,984 alleles (1.3%); highest among the groups gnomAD compares: Middle Eastern, 1.8%; 177 homozygotes.

Submission:

CeGaT Center for Human Genetics Tuebingen
Classification: Benign. Last evaluated: 2025-06-01. Review status: criteria provided, single submitter. Criteria: CeGaT Center For Human Genetics Tuebingen Variant Classification Criteria Version 2. Collection method: clinical testing. Allele origin: germline. Affected: yes. Observed: 1 variant allele.
Comment: ABCC1: BS1, BS2